The following is an entry in ClinVar:

ClinVar aggregate classification (germline): Uncertain significance. Review status: criteria provided, multiple submitters, no conflicts (2 of 4 stars). 2 submissions from 2 submitters: Uncertain significance (2). Last evaluated 2024-06-16.

Conditions:
Hereditary cancer-predisposing syndrome. Also called: Neoplastic Syndromes, Hereditary; Tumor predisposition; Hereditary Cancer Syndrome; Hereditary neoplastic syndrome. Identifiers: Orphanet 140162, MedGen C0027672, MeSH D009386, MONDO:0015356.
Hereditary nonpolyposis colorectal neoplasms. Identifiers: MedGen C0009405, MeSH D003123.

Submissions (2):

Ambry Genetics
Classification: Uncertain significance for Hereditary cancer-predisposing syndrome. Last evaluated: 2024-06-16. Review status: criteria provided, single submitter. Criteria: Ambry Variant Classification Scheme 2023. Collection method: clinical testing. Allele origin: germline.
Comment: The p.A1127G variant (also known as c.3380C>G), located in coding exon 5 of the MSH6 gene, results from a C to G substitution at nucleotide position 3380. The alanine at codon 1127 is replaced by glycine, an amino acid with similar properties. This amino acid position is conserved. In addition, the in silico prediction for this alteration is inconclusive. Based on the available evidence, the clinical significance of this variant remains unclear.

Labcorp Genetics (formerly Invitae), Labcorp
Classification: Uncertain significance for Hereditary nonpolyposis colorectal neoplasms. Last evaluated: 2022-07-02. Review status: criteria provided, single submitter. Criteria: Invitae Variant Classification Sherloc (09022015). Collection method: clinical testing. Allele origin: germline.
Comment: ClinVar contains an entry for this variant (Variation ID: 639632). In summary, the available evidence is currently insufficient to determine the role of this variant in disease. Therefore, it has been classified as a Variant of Uncertain Significance. Advanced modeling of protein sequence and biophysical properties (such as structural, functional, and spatial information, amino acid conservation, physicochemical variation, residue mobility, and thermodynamic stability) performed at Invitae indicates that this missense variant is not expected to disrupt MSH6 protein function. This variant has not been reported in the literature in individuals affected with MSH6-related conditions. This variant is not present in population databases (gnomAD no frequency). This sequence change replaces alanine, which is neutral and non-polar, with glycine, which is neutral and non-polar, at codon 1127 of the MSH6 protein (p.Ala1127Gly).

NM_000179.3(MSH6):c.3380C>G (p.Ala1127Gly)

Gene: MSH6 (mutS homolog 6; plus strand). Cytogenetic location: 2p16.3.
Variant type: single nucleotide variant.
Coding change: c.3380C>G on transcript NM_000179.3 (MANE Select); coding-DNA position 3380, C replaced by G.
Protein change: p.Ala1127Gly; replaces alanine 1127 with glycine.
Molecular consequence: missense variant.
Genome position (GRCh38, 1-based): chr2:47,803,627, C>G. VCF-style: chr2-47803627-C-G. GRCh37 (hg19) VCF-style: chr2-48030766-C-G.
Other names: c.2474C>G, p.Ala825Gly (NM_001281493.2, NM_001281494.2); c.2990C>G, p.Ala997Gly (NM_001281492.2); short protein forms A1127G, A825G, A997G.
Identifiers: ClinVar variation 639632 (VCV000639632.10), dbSNP rs1572735927, ClinGen allele CA346758822.